The following is an entry in ClinVar:

NM_020975.6(RET):c.194G>T (p.Ser65Ile)

Gene: RET (ret proto-oncogene; plus strand). Cytogenetic location: 10q11.21.
Variant type: single nucleotide variant.
Coding change: c.194G>T on transcript NM_020975.6 (MANE Select); coding-DNA position 194, G replaced by T.
Protein change: p.Ser65Ile; replaces serine 65 with isoleucine.
Molecular consequence: missense variant. On other transcripts: intron variant (4).
Genome position (GRCh38, 1-based): chr10:43,100,579, G>T. VCF-style: chr10-43100579-G-T. GRCh37 (hg19) VCF-style: chr10-43596027-G-T.
Other names: c.194G>T, p.Ser65Ile (NM_001406743.1, NM_001406744.1, NM_001406759.1 and 32 more transcripts); c.74-8452G>T (NM_001406784.1); c.74-11520G>T (NM_001406794.1, NM_001406792.1, NM_001406793.1); short protein forms S65I.
Identifiers: ClinVar variation 3788324 (VCV003788324.2).

ClinVar aggregate classification (germline): Uncertain significance. Review status: criteria provided, multiple submitters, no conflicts (2 of 4 stars). 2 submissions from 2 submitters: Uncertain significance (2). Last evaluated 2025-08-13.

Conditions:
Multiple endocrine neoplasia, type 2 (MEN2). Identifiers: Orphanet 653, MedGen C4048306, MONDO:0019003. Disease mechanism: gain of function.
Hereditary cancer-predisposing syndrome. Also called: Neoplastic Syndromes, Hereditary; Hereditary Cancer Syndrome; Tumor predisposition; Hereditary neoplastic syndrome. Identifiers: Orphanet 140162, MedGen C0027672, MeSH D009386, MONDO:0015356.

gnomAD v4.1: 1 of 1,613,894 alleles (0.000062%); highest among the groups gnomAD compares: Non-Finnish European, 0.000085%; no homozygotes.

Submissions (2):

Labcorp Genetics (formerly Invitae), Labcorp
Classification: Uncertain significance for Multiple endocrine neoplasia, type 2. Last evaluated: 2025-08-13. Review status: criteria provided, single submitter. Criteria: Invitae Variant Classification Sherloc (09022015). Collection method: clinical testing. Allele origin: germline.
Comment: This sequence change replaces serine, which is neutral and polar, with isoleucine, which is neutral and non-polar, at codon 65 of the RET protein (p.Ser65Ile). This variant is not present in population databases (gnomAD no frequency). This variant has not been reported in the literature in individuals affected with RET-related conditions. ClinVar contains an entry for this variant (Variation ID: 3788324). An algorithm developed to predict the effect of missense changes on protein structure and function (PolyPhen-2) suggests that this variant is likely to be tolerated. In summary, the available evidence is currently insufficient to determine the role of this variant in disease. Therefore, it has been classified as a Variant of Uncertain Significance.

Ambry Genetics
Classification: Uncertain significance for Hereditary cancer-predisposing syndrome. Last evaluated: 2025-01-25. Review status: criteria provided, single submitter. Criteria: Ambry Variant Classification Scheme 2023. Collection method: clinical testing. Allele origin: germline.
Comment: The p.S65I variant (also known as c.194G>T), located in coding exon 2 of the RET gene, results from a G to T substitution at nucleotide position 194. The serine at codon 65 is replaced by isoleucine, an amino acid with dissimilar properties. This amino acid position is not well conserved in available vertebrate species. In addition, this alteration is predicted to be tolerated by in silico analysis. Based on the available evidence, the clinical significance of this variant remains unclear.